The following is an entry in ClinVar:

ClinVar aggregate classification (germline): Uncertain significance (1 of 4 stars; one submission).

Conditions:
Inborn genetic diseases. Identifiers: MedGen C0950123, MeSH D030342.

gnomAD v4.1: 7 of 1,613,456 alleles (0.00043%); highest among the groups gnomAD compares: Non-Finnish European, 0.00059%; no homozygotes.

Submission:

Ambry Genetics
Classification: Uncertain significance for Inborn genetic diseases. Last evaluated: 2025-02-24. Review status: criteria provided, single submitter. Criteria: Ambry Variant Classification Scheme 2023. Collection method: clinical testing. Allele origin: germline.
Comment: The p.E828A variant (also known as c.2483A>C), located in coding exon 22 of the ANKRD26 gene, results from an A to C substitution at nucleotide position 2483. The glutamic acid at codon 828 is replaced by alanine, an amino acid with dissimilar properties. This amino acid position is conserved. In addition, this alteration is predicted to be tolerated by in silico analysis. Based on the available evidence, the clinical significance of this variant remains unclear.

NM_014915.3(ANKRD26):c.2483A>C (p.Glu828Ala)

Gene: ANKRD26 (ankyrin repeat domain containing 26; minus strand). Cytogenetic location: 10p12.1.
Variant type: single nucleotide variant.
Coding change: c.2483A>C on transcript NM_014915.3 (MANE Select); coding-DNA position 2483, A replaced by C.
Protein change: p.Glu828Ala; replaces glutamic acid 828 with alanine.
Molecular consequence: missense variant.
Genome position (GRCh38, 1-based): chr10:27,037,947, T>G on the plus strand (A>C on the coding strand, the complement: ANKRD26 is on the minus strand). VCF-style: chr10-27037947-T-G. GRCh37 (hg19) VCF-style: chr10-27326876-T-G.
Other names: c.2480A>C, p.Glu827Ala (NM_001256053.2); short protein forms E828A, E827A.
Identifiers: ClinVar variation 3869143 (VCV003869143.1).